The following is an entry in ClinVar:

NM_001267550.2(TTN):c.104893G>C (p.Val34965Leu)

Genes: TTN (titin; minus strand), TTN-AS1 (TTN antisense RNA 1; plus strand). Cytogenetic location: 2q31.2.
Variant type: single nucleotide variant.
Coding change: c.104893G>C on transcript NM_001267550.2 (MANE Select); coding-DNA position 104893, G replaced by C.
Protein change: p.Val34965Leu; replaces valine 34965 with leucine.
Molecular consequence: missense variant.
Genome position (GRCh38, 1-based): chr2:178,531,722, C>G on the plus strand (G>C on the coding strand, the complement: TTN is on the minus strand). VCF-style: chr2-178531722-C-G. GRCh37 (hg19) VCF-style: chr2-179396449-C-G.
Other names: c.104893G>C (NM_001267550.1); c.99970G>C, p.Val33324Leu (NM_001256850.1); c.77698G>C, p.Val25900Leu (NM_003319.4); c.97189G>C, p.Val32397Leu (NM_133378.4); c.78073G>C, p.Val26025Leu (NM_133432.3); c.78274G>C, p.Val26092Leu (NM_133437.4); short protein forms V32397L, V34965L, V33324L, V26092L, V26025L, V25900L.
Identifiers: ClinVar variation 284089 (VCV000284089.12), dbSNP rs886042785, ClinGen allele CA10604682.

ClinVar aggregate classification (germline): Uncertain significance. Review status: criteria provided, multiple submitters, no conflicts (2 of 4 stars). 4 submissions from 4 submitters: Uncertain significance (4). Last evaluated 2023-11-16.

Conditions:
Dilated cardiomyopathy 1G (CMD1G). Identifiers: Orphanet 154, MedGen C1858763, MONDO:0011400, OMIM 604145.
Autosomal recessive limb-girdle muscular dystrophy type 2J (LGMDR10). Also called: Limb-girdle muscular dystrophy, type 2J; MUSCULAR DYSTROPHY, LIMB-GIRDLE, AUTOSOMAL RECESSIVE 10. Identifiers: Orphanet 140922, MedGen C1837342, MONDO:0012127, OMIM 608807.
Tibial muscular dystrophy (TMD). Also called: UDD MYOPATHY; Udd Distal Myopathy – Tibial Muscular Dystrophy; Tibial muscular dystrophy, tardive. Identifiers: Orphanet 609, MedGen C1838244, MONDO:0010870, OMIM 600334.
Early-onset myopathy with fatal cardiomyopathy (CMYO5). Also called: Salih Myopathy; CONGENITAL MYOPATHY 5 WITH CARDIOMYOPATHY. Identifiers: Orphanet 289377, MedGen C2673677, MONDO:0012714, OMIM 611705. Disease mechanism: loss of function.
Hypertrophic cardiomyopathy 9. Also called: Familial hypertrophic cardiomyopathy 9. Identifiers: MedGen C1861065, MONDO:0013412, OMIM 613765.
Myopathy, myofibrillar, 9, with early respiratory failure (MFM9). Also called: Hereditary myopathy with early respiratory failure; EDSTROM MYOPATHY; MYOPATHY, PROXIMAL, WITH EARLY RESPIRATORY MUSCLE INVOLVEMENT; Myopathy, distal, with early respiratory failure, autosomal dominant. Identifiers: Orphanet 178464, Orphanet 34521, MedGen C1863599, MONDO:0011362, OMIM 603689.

Allele frequency attached by ClinVar (database versions not stated): gnomAD exomes 0.00001; gnomAD 0.00002 and 0.00004; TOPMed 0.00006.
gnomAD v4.1: 12 of 1,613,872 alleles (0.00074%); highest among the groups gnomAD compares: Non-Finnish European, 0.00059%; no homozygotes.

Submissions (4):

GeneDx
Classification: Uncertain significance. Last evaluated: 2023-11-16. Review status: criteria provided, single submitter. Criteria: GeneDx Variant Classification Process June 2021. Collection method: clinical testing. Allele origin: germline. Affected: yes.
Comment: Not observed at significant frequency in large population cohorts (gnomAD); Missense variant in a gene in which most reported pathogenic variants are truncating/loss of function; Has not been previously published as pathogenic or benign to our knowledge

Labcorp Genetics (formerly Invitae), Labcorp
Classification: Uncertain significance for Dilated cardiomyopathy 1G; Autosomal recessive limb-girdle muscular dystrophy type 2J. Last evaluated: 2019-03-25. Review status: criteria provided, single submitter. Criteria: Invitae Variant Classification Sherloc (09022015). Collection method: clinical testing. Allele origin: germline.
Comment: This sequence change replaces valine with leucine at codon 34965 of the TTN protein (p.Val34965Leu). There is a small physicochemical difference between valine and leucine. This variant is not present in population databases (ExAC no frequency). This variant has not been reported in the literature in individuals with TTN-related conditions. ClinVar contains an entry for this variant (Variation ID: 284089). This variant is located in the M band of TTN (PMID: 25589632).¬†Variants in this region may be relevant for neuromuscular disorders, but have not been definitively shown to cause cardiomyopathy (PMID: 23975875). Algorithms developed to predict the effect of missense changes on protein structure and function are unavailable for the TTN gene. In summary, the available evidence is currently insufficient to determine the role of this variant in disease. Therefore, it has been classified as a Variant of Uncertain Significance.

Fulgent Genetics
Classification: Uncertain significance for Tibial muscular dystrophy; Myopathy, myofibrillar, 9, with early respiratory failure; Dilated cardiomyopathy 1G; Autosomal recessive limb-girdle muscular dystrophy type 2J; Early-onset myopathy with fatal cardiomyopathy; Hypertrophic cardiomyopathy 9. Last evaluated: 2018-10-31. Review status: criteria provided, single submitter. Criteria: ACMG Guidelines, 2015. Collection method: clinical testing. Allele origin: unknown.

Eurofins Ntd Llc (ga)
Classification: Uncertain significance. Last evaluated: 2017-02-28. Review status: criteria provided, single submitter. Criteria: EGL Classification Definitions. Collection method: clinical testing. Allele origin: germline. Observed: 6 variant alleles, 6 heterozygotes.

Literature cited by the submitters: PubMed 25589632 (cited by Labcorp Genetics (formerly Invitae), Labcorp); PubMed 23975875 (cited by Labcorp Genetics (formerly Invitae), Labcorp).